The following is an entry in ClinVar:

NM_001127208.3(TET2):c.2525C>G (p.Ser842Ter)

Genes: TET2 (tet methylcytosine dioxygenase 2; plus strand), TET2-AS1 (TET2 antisense RNA 1; minus strand). Cytogenetic location: 4q24.
Variant type: single nucleotide variant.
Coding change: c.2525C>G on transcript NM_001127208.3 (MANE Select); coding-DNA position 2525, C replaced by G.
Protein change: p.Ser842Ter; replaces serine 842 with a stop codon.
Molecular consequence: nonsense.
Genome position (GRCh38, 1-based): chr4:105,236,467, C>G. VCF-style: chr4-105236467-C-G. GRCh37 (hg19) VCF-style: chr4-106157624-C-G.
Other names: c.2525C>G, p.Ser842Ter (NM_017628.4); short protein forms S842*.
Identifiers: ClinVar variation 2816605 (VCV002816605.3), dbSNP rs2476501487, ClinGen allele CA357799445.

ClinVar aggregate classification (germline): Pathogenic (1 of 4 stars; one submission).

gnomAD v4.1: 2 of 1,614,034 alleles (0.00012%); highest among the groups gnomAD compares: Non-Finnish European, 0.00017%; no homozygotes.

Submission:

Labcorp Genetics (formerly Invitae), Labcorp
Classification: Pathogenic. Last evaluated: 2024-02-23. Review status: criteria provided, single submitter. Criteria: Invitae Variant Classification Sherloc (09022015). Collection method: clinical testing. Allele origin: germline.
Comment: This sequence change creates a premature translational stop signal (p.Ser842*) in the TET2 gene. It is expected to result in an absent or disrupted protein product. Loss-of-function variants in TET2 are known to be pathogenic (PMID: 36066697). This variant is not present in population databases (gnomAD no frequency). This variant has not been reported in the literature in individuals affected with TET2-related conditions. For these reasons, this variant has been classified as Pathogenic.

Literature cited by the submitters: PubMed 36066697.